The following is an entry in ClinVar:

NM_021828.5(HPSE2):c.1099-1G>A

Gene: HPSE2 (heparanase 2 (inactive); minus strand). Cytogenetic location: 10q24.2.
Variant type: single nucleotide variant.
Coding change: c.1099-1G>A on transcript NM_021828.5 (MANE Select); the canonical splice acceptor site of the intron before coding-DNA position 1099, G replaced by A.
Molecular consequence: splice acceptor variant.
Genome position (GRCh38, 1-based): chr10:98,620,709, C>T on the plus strand (G>A on the coding strand, the complement: HPSE2 is on the minus strand). VCF-style: chr10-98620709-C-T. GRCh37 (hg19) VCF-style: chr10-100380466-C-T.
Other names: c.763-1G>A (NM_001166245.1); c.925-1G>A (NM_001166244.1); c.1099-1G>A (NM_001166246.1).
Identifiers: ClinVar variation 1691127 (VCV001691127.6), dbSNP rs184270108, ClinGen allele CA5639797.

ClinVar aggregate classification (germline): Pathogenic. Review status: criteria provided, multiple submitters, no conflicts (2 of 4 stars). 3 submissions from 3 submitters: Pathogenic (2). 1 of the submissions does not count toward it. Last evaluated 2024-05-17.

Conditions:
Ochoa syndrome. Also called: HYDRONEPHROSIS WITH PECULIAR FACIAL EXPRESSION; INVERTED SMILE AND OCCULT NEUROPATHIC BLADDER; Urofacial Syndrome. Identifiers: Orphanet 2704, MedGen C0403555, MONDO:0000463.
Urofacial syndrome type 1. Also called: HPSE2-Related Urofacial Syndrome. Identifiers: Orphanet 2704, MedGen CN033872, MONDO:0009368, OMIM 236730.

Allele frequency attached by ClinVar (database versions not stated): gnomAD 0.00001 and 0.00002; TOPMed 0.00001; ExAC 0.00005; gnomAD exomes 0.00005 and 0.00006; 1000 Genomes Project 0.00020; 1000 Genomes Project 30x 0.00031.
gnomAD v4.1: 82 of 1,605,634 alleles (0.0051%); highest among the groups gnomAD compares: Non-Finnish European, 0.0068%; no homozygotes.

Submissions (3):

Fulgent Genetics
Classification: Pathogenic for Urofacial syndrome type 1. Last evaluated: 2024-05-17. Review status: criteria provided, single submitter. Criteria: ACMG Guidelines, 2015. Collection method: clinical testing. Allele origin: germline.

Labcorp Genetics (formerly Invitae), Labcorp
Classification: Pathogenic. Last evaluated: 2023-10-09. Review status: criteria provided, single submitter. Criteria: Invitae Variant Classification Sherloc (09022015). Collection method: clinical testing. Allele origin: germline.
Comment: This sequence change affects an acceptor splice site in intron 7 of the HPSE2 gene. It is expected to disrupt RNA splicing. Variants that disrupt the donor or acceptor splice site typically lead to a loss of protein function (PMID: 16199547), and loss-of-function variants in HPSE2 are known to be pathogenic (PMID: 20560210, 25510506). This variant is present in population databases (rs184270108, gnomAD 0.009%). Disruption of this splice site has been observed in individual(s) with urofacial syndrome (PMID: 25145936). In at least one individual the data is consistent with being in trans (on the opposite chromosome) from a pathogenic variant. ClinVar contains an entry for this variant (Variation ID: 1691127). Algorithms developed to predict the effect of sequence changes on RNA splicing suggest that this variant may disrupt the consensus splice site. For these reasons, this variant has been classified as Pathogenic.

Manchester Centre for Genomic Medicine, The University of Manchester
Classification: Pathogenic for Ochoa syndrome. Last evaluated: 2022-06-06. Review status: no assertion criteria provided. Collection method: research. Allele origin: germline. Affected: yes. Not counted in ClinVar's aggregate classification.

Literature cited by the submitters: PubMed 16199547 (cited by Labcorp Genetics (formerly Invitae), Labcorp); PubMed 20560210 (cited by Labcorp Genetics (formerly Invitae), Labcorp); PubMed 25510506 (cited by Labcorp Genetics (formerly Invitae), Labcorp); PubMed 25145936 (cited by Labcorp Genetics (formerly Invitae), Labcorp).